The following is an entry in ClinVar:

ClinVar aggregate classification (germline): Uncertain significance. Review status: criteria provided, multiple submitters, no conflicts (2 of 4 stars). 3 submissions from 3 submitters: Uncertain significance (2). 1 of the submissions does not count toward it. Last evaluated 2024-05-02.

Conditions:
Neuromuscular disease caused by qualitative or quantitative defects of dysferlin. Also called: Dysferlinopathy; Qualitative or quantitative defects of dysferlin. Identifiers: Orphanet 207073, MedGen C2931687, MONDO:0016145.
Autosomal recessive limb-girdle muscular dystrophy type 2B (LGMDR2). Also called: Limb-Girdle Muscular Dystrophy Type 2B (LGMD2B); Limb-girdle muscular dystrophy, type 2B; MUSCULAR DYSTROPHY, LIMB-GIRDLE, AUTOSOMAL RECESSIVE 2; MUSCULAR DYSTROPHY, LIMB-GIRDLE, TYPE 3. Identifiers: Orphanet 268, MedGen C1850889, MONDO:0009676, OMIM 253601.

Allele frequency attached by ClinVar (database versions not stated): gnomAD exomes below 0.00001; TOPMed below 0.00001; ExAC 0.00001.
gnomAD v4.1: 3 of 1,614,112 alleles (0.00019%); highest among the groups gnomAD compares: East Asian, 0.0022%; no homozygotes.

Submissions (3):

Blueprint Genetics
Classification: Uncertain significance. Last evaluated: 2024-05-02. Review status: criteria provided, single submitter. Criteria: ACMG Guidelines, 2015. Collection method: clinical testing. Allele origin: germline.

Labcorp Genetics (formerly Invitae), Labcorp
Classification: Uncertain significance for Neuromuscular disease caused by qualitative or quantitative defects of dysferlin. Last evaluated: 2022-06-13. Review status: criteria provided, single submitter. Criteria: Invitae Variant Classification Sherloc (09022015). Collection method: clinical testing. Allele origin: germline.
Comment: This sequence change replaces methionine, which is neutral and non-polar, with lysine, which is basic and polar, at codon 968 of the DYSF protein (p.Met968Lys). This variant is present in population databases (rs775907195, gnomAD 0.006%). This variant has not been reported in the literature in individuals affected with DYSF-related conditions. ClinVar contains an entry for this variant (Variation ID: 1061947). Algorithms developed to predict the effect of missense changes on protein structure and function are either unavailable or do not agree on the potential impact of this missense change (SIFT: "Deleterious"; PolyPhen-2: "Probably Damaging"; Align-GVGD: "Class C0"). In summary, the available evidence is currently insufficient to determine the role of this variant in disease. Therefore, it has been classified as a Variant of Uncertain Significance.

Natera, Inc.
Classification: Uncertain significance for Limb-girdle muscular dystrophy type 2B. Last evaluated: 2021-09-07. Review status: no assertion criteria provided. Collection method: clinical testing. Allele origin: germline. Not counted in ClinVar's aggregate classification.

NM_001130987.2(DYSF):c.2957T>A (p.Met986Lys)

Gene: DYSF (dysferlin; plus strand). Cytogenetic location: 2p13.2.
Variant type: single nucleotide variant.
Coding change: c.2957T>A on transcript NM_001130987.2 (MANE Select); coding-DNA position 2957, T replaced by A.
Protein change: p.Met986Lys; replaces methionine 986 with lysine.
Molecular consequence: missense variant.
Genome position (GRCh38, 1-based): chr2:71,569,912, T>A. VCF-style: chr2-71569912-T-A. GRCh37 (hg19) VCF-style: chr2-71797042-T-A.
Other names: c.2906T>A, p.Met969Lys (NM_001130455.2, NM_001130983.2); c.2861T>A, p.Met954Lys (NM_001130976.2, NM_001130977.2); c.2903T>A, p.Met968Lys (NM_001130978.2, NM_003494.4); c.2996T>A, p.Met999Lys (NM_001130979.2); c.2954T>A, p.Met985Lys (NM_001130980.2, NM_001130981.2); c.2999T>A, p.Met1000Lys (NM_001130982.2); c.2864T>A, p.Met955Lys (NM_001130984.2, NM_001130986.2); c.2957T>A, p.Met986Lys (NM_001130985.2); short protein forms M1000K, M954K, M955K, M968K, M969K, M985K, M986K, M999K.
Identifiers: ClinVar variation 1061947 (VCV001061947.8), dbSNP rs775907195, ClinGen allele CA1706339.
Genomic context (GRCh38, chr2:71,569,912, plus strand): 5'-GCTTCGTGGAAGAGGTGTTTGAGAACCAGACCCGGCTTCCCGGAGGCCAGTGGATCTACA[T>A]GAGTGACAACTACACCGATGTGGTAAAGCAGGCACTCAGGGGCAGGTGGGGTCTAGACAT-3'
Protein context (NP_001124459.1, residues 976-996): TRLPGGQWIY[Met986Lys]SDNYTDVNGE